The following is an entry in ClinVar:

NM_001042492.3(NF1):c.7064G>A (p.Ser2355Asn)

Gene: NF1 (neurofibromin 1; plus strand). Cytogenetic location: 17q11.2.
Variant type: single nucleotide variant.
Coding change: c.7064G>A on transcript NM_001042492.3 (MANE Select); coding-DNA position 7064, G replaced by A.
Protein change: p.Ser2355Asn; replaces serine 2355 with asparagine.
Molecular consequence: missense variant.
Genome position (GRCh38, 1-based): chr17:31,343,010, G>A. VCF-style: chr17-31343010-G-A. GRCh37 (hg19) VCF-style: chr17-29670028-G-A.
Other names: c.7001G>A, p.Ser2334Asn (NM_000267.4); short protein forms S2355N, S2334N.
Identifiers: ClinVar variation 527529 (VCV000527529.8), dbSNP rs1555535399, ClinGen allele CA399015502.

ClinVar aggregate classification (germline): Uncertain significance. Review status: criteria provided, multiple submitters, no conflicts (2 of 4 stars). 2 submissions from 2 submitters: Uncertain significance (2). Last evaluated 2025-06-09.

Conditions:
Cardiovascular phenotype. Identifiers: MedGen CN230736.
Hereditary cancer-predisposing syndrome. Also called: Neoplastic Syndromes, Hereditary; Tumor predisposition; Hereditary neoplastic syndrome; Hereditary Cancer Syndrome. Identifiers: Orphanet 140162, MedGen C0027672, MeSH D009386, MONDO:0015356.
Neurofibromatosis, type 1 (NF1). Also called: VON RECKLINGHAUSEN DISEASE; NEUROFIBROMATOSIS, TYPE I, SOMATIC; Peripheral type neurofibromatosis; Neurofibromatosis, type I. Identifiers: Orphanet 636, MedGen C0027831, MONDO:0018975, OMIM 162200. Disease mechanism: loss of function.

Submissions (2):

Ambry Genetics
Classification: Uncertain significance for Cardiovascular phenotype; Hereditary cancer-predisposing syndrome. Last evaluated: 2025-06-09. Review status: criteria provided, single submitter. Criteria: Ambry Variant Classification Scheme 2023. Collection method: clinical testing. Allele origin: germline.
Comment: The p.S2334N variant (also known as c.7001G>A), located in coding exon 47 of the NF1 gene, results from a G to A substitution at nucleotide position 7001. The serine at codon 2334 is replaced by asparagine, an amino acid with highly similar properties. This amino acid position is highly conserved in available vertebrate species. In addition, this alteration is predicted to be tolerated by in silico analysis. Based on the available evidence, the clinical significance of this variant remains unclear.

Labcorp Genetics (formerly Invitae), Labcorp
Classification: Uncertain significance for Neurofibromatosis, type 1. Last evaluated: 2023-04-07. Review status: criteria provided, single submitter. Criteria: Invitae Variant Classification Sherloc (09022015). Collection method: clinical testing. Allele origin: germline.
Comment: This sequence change replaces serine, which is neutral and polar, with asparagine, which is neutral and polar, at codon 2334 of the NF1 protein (p.Ser2334Asn). This variant is not present in population databases (gnomAD no frequency). This variant has not been reported in the literature in individuals affected with NF1-related conditions. ClinVar contains an entry for this variant (Variation ID: 527529). An algorithm developed to predict the effect of missense changes on protein structure and function (PolyPhen-2) suggests that this variant is likely to be disruptive. In summary, the available evidence is currently insufficient to determine the role of this variant in disease. Therefore, it has been classified as a Variant of Uncertain Significance.